The following is an entry in ClinVar:

ClinVar aggregate classification (germline): Uncertain significance (1 of 4 stars; one submission).

Conditions:
Cardiovascular phenotype. Identifiers: MedGen CN230736.

Allele frequency attached by ClinVar (database versions not stated): gnomAD 0.00001.
gnomAD v4.1: 1 of 1,613,658 alleles (0.000062%); highest among the groups gnomAD compares: Non-Finnish European, 0.000085%; no homozygotes.

Submission:

Ambry Genetics
Classification: Uncertain significance for Cardiovascular phenotype. Last evaluated: 2022-04-24. Review status: criteria provided, single submitter. Criteria: Ambry Variant Classification Scheme 2023. Collection method: clinical testing. Allele origin: germline.
Comment: The p.S1262F variant (also known as c.3785C>T), located in coding exon 21 of the SCN10A gene, results from a C to T substitution at nucleotide position 3785. The serine at codon 1262 is replaced by phenylalanine, an amino acid with highly dissimilar properties. This amino acid position is conserved. In addition, this alteration is predicted to be deleterious by in silico analysis. Since supporting evidence is limited at this time, the clinical significance of this alteration remains unclear.

NM_006514.4(SCN10A):c.3785C>T (p.Ser1262Phe)

Gene: SCN10A (sodium voltage-gated channel alpha subunit 10; minus strand). Cytogenetic location: 3p22.2.
Variant type: single nucleotide variant.
Coding change: c.3785C>T on transcript NM_006514.4 (MANE Select); coding-DNA position 3785, C replaced by T.
Protein change: p.Ser1262Phe; replaces serine 1262 with phenylalanine.
Molecular consequence: missense variant.
Genome position (GRCh38, 1-based): chr3:38,713,977, G>A on the plus strand (C>T on the coding strand, the complement: SCN10A is on the minus strand). VCF-style: chr3-38713977-G-A. GRCh37 (hg19) VCF-style: chr3-38755468-G-A.
Other names: c.3782C>T, p.Ser1261Phe (NM_001293306.2); c.3491C>T, p.Ser1164Phe (NM_001293307.2); short protein forms S1164F, S1261F, S1262F.
Identifiers: ClinVar variation 1734875 (VCV001734875.2), dbSNP rs1181759782, ClinGen allele CA352151489.